The following is an entry in ClinVar:

ClinVar aggregate classification (germline): Uncertain significance (1 of 4 stars; one submission).

Submission:

GeneDx
Classification: Uncertain significance. Last evaluated: 2024-06-05. Review status: criteria provided, single submitter. Criteria: GeneDx Variant Classification Process June 2021. Collection method: clinical testing. Allele origin: germline. Affected: yes.
Comment: Not observed in large population cohorts (gnomAD); In-frame deletion of 18 amino acids in a non-repeat region; In silico analysis supports a deleterious effect on protein structure/function; Has not been previously published as pathogenic or benign to our knowledge

NM_001370100.5(ZMYND11):c.862_915del (p.Met288_Gln305del)

Gene: ZMYND11 (zinc finger MYND-type containing 11; plus strand). Cytogenetic location: 10p15.3.
Variant type: Deletion.
Coding change: c.862_915del on transcript NM_001370100.5 (MANE Select); coding-DNA positions 862 to 915, 54 bases deleted.
Protein change: p.Met288_Gln305del.
Molecular consequence: inframe deletion. On other transcripts: non-coding transcript variant (1).
Genome position (GRCh38, 1-based): chr10:242,051-242,104, 54 bases deleted. GRCh37 (hg19): chr10:287,991-288,044.
Other names: c.700_753del, p.Met234_Gln251del (NM_001202464.3, NM_001202467.1, NM_001370103.2 and 6 more transcripts); c.607_660del, p.Met203_Gln220del (NM_001202465.3, NM_001370110.2); c.697_750del, p.Met233_Gln250del (NM_001202466.3, NM_001370111.2); c.862_915del, p.Met288_Gln305del (NM_001202468.1, NM_001370097.3, NM_001370098.2 and 5 more transcripts); c.811_864del, p.Met271_Gln288del (NM_001330057.3, NM_001370112.2); c.769_822del, p.Met257_Gln274del (NM_001370113.2, NM_001370114.2); c.859_912del, p.Met287_Gln304del (NM_001370115.2, NM_212479.4); c.796_849del, p.Met266_Gln283del (NM_001370116.2); and 7 more.
Identifiers: ClinVar variation 1305893 (VCV001305893.3), dbSNP rs2131809788, ClinGen allele CA2573053259.